The following is an entry in ClinVar:

ClinVar aggregate classification (germline): Uncertain significance (1 of 4 stars; one submission).

Conditions:
Cardiovascular phenotype. Identifiers: MedGen CN230736.

Submission:

Ambry Genetics
Classification: Uncertain significance for Cardiovascular phenotype. Last evaluated: 2022-08-17. Review status: criteria provided, single submitter. Criteria: Ambry Variant Classification Scheme 2023. Collection method: clinical testing. Allele origin: germline.
Comment: The p.C978S variant (also known as c.2932T>A), located in coding exon 18 of the SOS2 gene, results from a T to A substitution at nucleotide position 2932. The cysteine at codon 978 is replaced by serine, an amino acid with dissimilar properties. This amino acid position is conserved. In addition, the in silico prediction for this alteration is inconclusive. Since supporting evidence is limited at this time, the clinical significance of this alteration remains unclear.

NM_006939.4(SOS2):c.2932T>A (p.Cys978Ser)

Gene: SOS2 (SOS Ras/Rho guanine nucleotide exchange factor 2; minus strand). Cytogenetic location: 14q21.3.
Variant type: single nucleotide variant.
Coding change: c.2932T>A on transcript NM_006939.4 (MANE Select); coding-DNA position 2932, T replaced by A.
Protein change: p.Cys978Ser; replaces cysteine 978 with serine.
Molecular consequence: missense variant.
Genome position (GRCh38, 1-based): chr14:50,138,638, A>T on the plus strand (T>A on the coding strand, the complement: SOS2 is on the minus strand). VCF-style: chr14-50138638-A-T. GRCh37 (hg19) VCF-style: chr14-50605356-A-T.
Other names: c.2833T>A, p.Cys945Ser (NM_001411020.1); short protein forms C978S, C945S.
Identifiers: ClinVar variation 1797837 (VCV001797837.2), dbSNP rs2502877621, ClinGen allele CA389642232.